The following is an entry in ClinVar:

ClinVar aggregate classification (germline): Likely pathogenic (1 of 4 stars; one submission).

Conditions:
3-Methylglutaconic aciduria type 3 (MGCA3). Also called: OPA3, AUTOSOMAL RECESSIVE; OPTIC ATROPHY 3, AUTOSOMAL RECESSIVE; OPA3-Related 3-Methylglutaconic Aciduria; Costeff Syndrome. Identifiers: Orphanet 67047, MedGen C0574084, MONDO:0009787, OMIM 258501.

Submission:

Natera, Inc.
Classification: Likely pathogenic for 3-methylglutaconic aciduria type 3. Last evaluated: 2024-09-26. Review status: criteria provided, single submitter. Criteria: Natera Variant Classification Schema (03/2026). Collection method: clinical testing. Allele origin: germline.
Comment: The c.472_494del variant in OPA3 is a frameshift variant predicted to elongate the protein beyond the termination codon. This variant is expected to result in nonsense mediated decay, truncation, or a dysfunctional protein product. This variant is rare in the general population with a frequency below the threshold expected for the associated phenotype(s). Given the available evidence, this variant is classified as Likely Pathogenic.

NM_025136.4(OPA3):c.472_494del (p.Glu158fs)

Genes: OPA3 (outer mitochondrial membrane lipid metabolism regulator OPA3; minus strand), OPA3-RTN2 (OPA3-RTN2 readthrough; minus strand). Cytogenetic location: 19q13.32.
Variant type: Deletion.
Coding change: c.472_494del on transcript NM_025136.4 (MANE Select); coding-DNA positions 472 to 494, 23 bases deleted (GAGGTGCGCGCCCAGCTCTGCAA).
Protein change: p.Glu158fs; shifts the reading frame from glutamic acid 158.
Molecular consequence: frameshift variant. On other transcripts: intron variant (1).
Genome position (GRCh38, 1-based): chr19:45,553,560-45,553,582, TTGCAGAGCTGGGCGCGCACCTC deleted on the plus strand (GAGGTGCGCGCCCAGCTCTGCAA on the coding strand, the reverse complement: OPA3 is on the minus strand); deleting any 23 consecutive bases within chr19:45,553,560-45,553,588 gives the same sequence; the c. name uses the placement nearest the transcript's 3' end. VCF-style (leftmost placement, unchanged base first): chr19-45553559-ATTGCAGAGCTGGGCGCGCACCTC-A. GRCh37 (hg19) VCF-style: chr19-46056817-ATTGCAGAGCTGGGCGCGCACCTC-A.
Other names: c.143-24126_143-24104del (NM_001017989.3); short protein forms E158fs.
Identifiers: ClinVar variation 4816246 (VCV004816246.1).